The following is an entry in ClinVar:

ClinVar aggregate classification (germline): Uncertain significance. Review status: criteria provided, multiple submitters, no conflicts (2 of 4 stars). 2 submissions from 2 submitters: Uncertain significance (2). Last evaluated 2026-05-12.

Conditions:
Familial cold autoinflammatory syndrome 3 (FCAS3). Also called: FAMILIAL ATYPICAL COLD URTICARIA; ANTIBODY DEFICIENCY AND IMMUNE DYSREGULATION, PLCG2-ASSOCIATED. Identifiers: Orphanet 300359, MedGen C3280914, MONDO:0013766, OMIM 614468.

gnomAD v4.1: 3 of 1,614,126 alleles (0.00019%); highest among the groups gnomAD compares: African/African-American, 0.004%; no homozygotes.

Submissions (2):

Women's Health and Genetics/Laboratory Corporation of America, LabCorp
Classification: Uncertain significance. Last evaluated: 2026-05-12. Review status: criteria provided, single submitter. Criteria: LabCorp Variant Classification Summary - May 2015. Collection method: clinical testing. Allele origin: germline.
Comment: Variant summary: PLCG2 c.76A>G (p.Thr26Ala) results in a non-conservative amino acid change in the encoded protein sequence. Algorithms developed to predict the effect of missense changes on protein structure and function are either unavailable or do not agree on the potential impact of this missense change. The variant allele was found at a frequency of 4e-06 in 249570 control chromosomes. The available data on variant occurrences in the general population are insufficient to allow any conclusion about variant significance. To our knowledge, no occurrence of c.76A>G in individuals affected with PLCG2-related conditions and no experimental evidence demonstrating its impact on protein function have been reported. ClinVar contains an entry for this variant (Variation ID: 4693440). Based on the evidence outlined above, the variant was classified as uncertain significance.

Labcorp Genetics (formerly Invitae), Labcorp
Classification: Uncertain significance for Familial cold autoinflammatory syndrome 3. Last evaluated: 2025-11-25. Review status: criteria provided, single submitter. Criteria: Invitae Variant Classification Sherloc (09022015). Collection method: clinical testing. Allele origin: germline.
Comment: This sequence change replaces threonine, which is neutral and polar, with alanine, which is neutral and non-polar, at codon 26 of the PLCG2 protein (p.Thr26Ala). This variant is present in population databases (no rsID available, gnomAD 0.007%). This variant has not been reported in the literature in individuals affected with PLCG2-related conditions. An algorithm developed to predict the effect of missense changes on protein structure and function (PolyPhen-2) suggests that this variant is likely to be tolerated. In summary, the available evidence is currently insufficient to determine the role of this variant in disease. Therefore, it has been classified as a Variant of Uncertain Significance.

NM_002661.5(PLCG2):c.76A>G (p.Thr26Ala)

Gene: PLCG2 (phospholipase C gamma 2; plus strand). Cytogenetic location: 16q23.3.
Variant type: single nucleotide variant.
Coding change: c.76A>G on transcript NM_002661.5 (MANE Select); coding-DNA position 76, A replaced by G.
Protein change: p.Thr26Ala; replaces threonine 26 with alanine.
Molecular consequence: missense variant.
Genome position (GRCh38, 1-based): chr16:81,786,065, A>G. VCF-style: chr16-81786065-A-G. GRCh37 (hg19) VCF-style: chr16-81819670-A-G.
Other names: c.76A>G, p.Thr26Ala (NM_001425749.1, NM_001425750.1, NM_001425751.1); short protein forms T26A.
Identifiers: ClinVar variation 4693440 (VCV004693440.3).